The following is an entry in ClinVar:

ClinVar aggregate classification (germline): Uncertain significance (1 of 4 stars; one submission).

Conditions:
Inborn genetic diseases. Identifiers: MedGen C0950123, MeSH D030342.

gnomAD v4.1: 8 of 1,612,044 alleles (0.0005%); highest among the groups gnomAD compares: East Asian, 0.0022%; no homozygotes.

Submission:

Ambry Genetics
Classification: Uncertain significance for Inborn genetic diseases. Last evaluated: 2025-03-04. Review status: criteria provided, single submitter. Criteria: Ambry Variant Classification Scheme 2023. Collection method: clinical testing. Allele origin: germline.
Comment: The p.H53Y variant (also known as c.157C>T), located in coding exon 2 of the ETV6 gene, results from a C to T substitution at nucleotide position 157. The histidine at codon 53 is replaced by tyrosine, an amino acid with similar properties. This variant was detected in a cohort of 4405 childhood leukemia patients who underwent targeted ETV6 testing (Moriyama T et al. Lancet Oncol, 2015 Dec;16:1659-66). Functional studies suggest this variant demonstrates WT-like luciferase activity; however, additional evidence is needed to confirm this finding (Nishii R et al. Blood, 2021 Jan;137:364-373). This amino acid position is highly conserved in available vertebrate species. In addition, this alteration is predicted to be tolerated by in silico analysis. Based on the available evidence, the clinical significance of this variant remains unclear.

Literature cited by the submitters: PubMed 26522332; PubMed 32693409.

NM_001987.5(ETV6):c.157C>T (p.His53Tyr)

Gene: ETV6 (ETS variant transcription factor 6; plus strand). Cytogenetic location: 12p13.2.
Variant type: single nucleotide variant.
Coding change: c.157C>T on transcript NM_001987.5 (MANE Select); coding-DNA position 157, C replaced by T.
Protein change: p.His53Tyr; replaces histidine 53 with tyrosine.
Molecular consequence: missense variant. On other transcripts: intron variant (1).
Genome position (GRCh38, 1-based): chr12:11,752,573, C>T. VCF-style: chr12-11752573-C-T. GRCh37 (hg19) VCF-style: chr12-11905507-C-T.
Other names: c.154C>T, p.His52Tyr (NM_001413913.1); c.130C>T, p.His44Tyr (NM_001413914.1); c.157C>T, p.His53Tyr (NM_001413916.1, NM_001413917.1, NM_001413918.1); c.-101-86567C>T (NM_001413915.1); short protein forms H52Y, H44Y, H53Y.
Identifiers: ClinVar variation 3846532 (VCV003846532.1).